The following is an entry in ClinVar:

NM_032603.5(LOXL3):c.1813G>A (p.Glu605Lys)

Gene: LOXL3 (lysyl oxidase like 3; minus strand). Cytogenetic location: 2p13.1.
Variant type: single nucleotide variant.
Coding change: c.1813G>A on transcript NM_032603.5 (MANE Select); coding-DNA position 1813, G replaced by A.
Protein change: p.Glu605Lys; replaces glutamic acid 605 with lysine.
Molecular consequence: missense variant.
Genome position (GRCh38, 1-based): chr2:74,534,541, C>T on the plus strand (G>A on the coding strand, the complement: LOXL3 is on the minus strand). VCF-style: chr2-74534541-C-T. GRCh37 (hg19) VCF-style: chr2-74761668-C-T.
Other names: c.1813G>A (NM_032603.2); c.1378G>A, p.Glu460Lys (NM_001289164.3); c.730G>A, p.Glu244Lys (NM_001289165.2); short protein forms E244K, E605K, E460K.
Identifiers: ClinVar variation 1982310 (VCV001982310.5), dbSNP rs751461263, ClinGen allele CA1728800.
Genomic context (GRCh38, chr2:74,534,541, plus strand): 5'-GCCCCATCCCCCGTGGTCTTGCCCTTCTACTTGACTCCCTACCCTCTCACCCATGGCACT[C>T]GTGCCACACCCAGGAGTGGCGCCCAGCCTTGGGCCTGAAGTCAGCTCGTCCCAGGTTGTG-3'
Protein context (NP_115992.1, residues 595-615): KAGRHSWVWH[Glu605Lys]CHGHYHSMDI

ClinVar aggregate classification (germline): Uncertain significance. Review status: criteria provided, multiple submitters, no conflicts (2 of 4 stars). 2 submissions from 2 submitters: Uncertain significance (2). Last evaluated 2025-04-02.

Allele frequency attached by ClinVar (database versions not stated): gnomAD exomes 0.00001; TOPMed 0.00001; ExAC 0.00003; gnomAD 0.00003.
gnomAD v4.1: 18 of 1,614,014 alleles (0.0011%); highest among the groups gnomAD compares: South Asian, 0.0077%; no homozygotes.

Submissions (2):

Ambry Genetics
Classification: Uncertain significance. Last evaluated: 2025-04-02. Review status: criteria provided, single submitter. Criteria: Ambry Variant Classification Scheme 2023. Collection method: clinical testing. Allele origin: germline.

Labcorp Genetics (formerly Invitae), Labcorp
Classification: Uncertain significance. Last evaluated: 2024-06-05. Review status: criteria provided, single submitter. Criteria: Invitae Variant Classification Sherloc (09022015). Collection method: clinical testing. Allele origin: germline.
Comment: This sequence change replaces glutamic acid, which is acidic and polar, with lysine, which is basic and polar, at codon 605 of the LOXL3 protein (p.Glu605Lys). This variant is present in population databases (rs751461263, gnomAD 0.01%). This variant has not been reported in the literature in individuals affected with LOXL3-related conditions. ClinVar contains an entry for this variant (Variation ID: 1982310). An algorithm developed to predict the effect of missense changes on protein structure and function (PolyPhen-2) suggests that this variant is likely to be disruptive. In summary, the available evidence is currently insufficient to determine the role of this variant in disease. Therefore, it has been classified as a Variant of Uncertain Significance.